The following is an entry in ClinVar:

NM_004360.5(CDH1):c.1682A>G (p.Tyr561Cys)

Gene: CDH1 (cadherin 1; plus strand). Cytogenetic location: 16q22.1.
Variant type: single nucleotide variant.
Coding change: c.1682A>G on transcript NM_004360.5 (MANE Select); coding-DNA position 1682, A replaced by G.
Protein change: p.Tyr561Cys; replaces tyrosine 561 with cysteine.
Molecular consequence: missense variant. On other transcripts: intron variant (1).
Genome position (GRCh38, 1-based): chr16:68,819,396, A>G. VCF-style: chr16-68819396-A-G. GRCh37 (hg19) VCF-style: chr16-68853299-A-G.
Other names: c.1499A>G, p.Tyr500Cys (NM_001317184.2); c.134A>G, p.Tyr45Cys (NM_001317185.2); c.-254-2605A>G (NM_001317186.2); short protein forms Y45C, Y500C, Y561C.
Identifiers: ClinVar variation 841537 (VCV000841537.15), dbSNP rs918685758, ClinGen allele CA283310460.

ClinVar aggregate classification (germline): Uncertain significance. Review status: criteria provided, multiple submitters, no conflicts (2 of 4 stars). 2 submissions from 2 submitters: Uncertain significance (2). Last evaluated 2025-10-26.

Conditions:
Hereditary cancer-predisposing syndrome. Also called: Neoplastic Syndromes, Hereditary; Hereditary neoplastic syndrome; Tumor predisposition; Hereditary Cancer Syndrome. Identifiers: Orphanet 140162, MedGen C0027672, MeSH D009386, MONDO:0015356.
Hereditary diffuse gastric adenocarcinoma (HDGC). Also called: DIFFUSE GASTRIC AND LOBULAR BREAST CANCER SYNDROME. Identifiers: Orphanet 26106, MedGen C1708349, MONDO:0007648, OMIM 137215.

Allele frequency attached by ClinVar (database versions not stated): TOPMed below 0.00001.

Submissions (2):

Labcorp Genetics (formerly Invitae), Labcorp
Classification: Uncertain significance for Hereditary diffuse gastric adenocarcinoma. Last evaluated: 2025-10-26. Review status: criteria provided, single submitter. Criteria: Invitae Variant Classification Sherloc (09022015). Collection method: clinical testing. Allele origin: germline.
Comment: This sequence change replaces tyrosine, which is neutral and polar, with cysteine, which is neutral and slightly polar, at codon 561 of the CDH1 protein (p.Tyr561Cys). This variant is not present in population databases (gnomAD no frequency). This variant has not been reported in the literature in individuals affected with CDH1-related conditions. ClinVar contains an entry for this variant (Variation ID: 841537). An algorithm developed to predict the effect of missense changes on protein structure and function (PolyPhen-2) suggests that this variant is likely to be disruptive. In summary, the available evidence is currently insufficient to determine the role of this variant in disease. Therefore, it has been classified as a Variant of Uncertain Significance.

Ambry Genetics
Classification: Uncertain significance for Hereditary cancer-predisposing syndrome. Last evaluated: 2024-07-15. Review status: criteria provided, single submitter. Criteria: Ambry Variant Classification Scheme 2023. Collection method: clinical testing. Allele origin: germline.
Comment: The p.Y561C variant (also known as c.1682A>G), located in coding exon 11 of the CDH1 gene, results from an A to G substitution at nucleotide position 1682. The tyrosine at codon 561 is replaced by cysteine, an amino acid with highly dissimilar properties. This amino acid position is highly conserved in available vertebrate species. In addition, this alteration is predicted to be deleterious by in silico analysis. Based on the available evidence, the clinical significance of this variant remains unclear.